The following is an entry in ClinVar:

ClinVar aggregate classification (germline): Pathogenic (1 of 4 stars; one submission).

Conditions:
Usher syndrome type 2A. Also called: RETINAL DISEASE IN USHER SYNDROME TYPE IIA, MODIFIER OF; USHER SYNDROME, TYPE IIA. Identifiers: Orphanet 231178, Orphanet 886, MedGen C1848634, MONDO:0010169, OMIM 276901.

Submission:

Natera, Inc.
Classification: Pathogenic for Usher syndrome type 2A. Last evaluated: 2025-12-19. Review status: criteria provided, single submitter. Criteria: Natera Variant Classification Schema (03/2026). Collection method: clinical testing. Allele origin: germline.
Comment: The c.6806-2A>T variant in USH2A is a canonical splice acceptor site variant predicted to affect pre-mRNA splicing, which may result in an abnormal transcript and altered protein product. This variant is expected to result in nonsense mediated decay, truncation, or a dysfunctional protein product. This variant is rare in the general population with a frequency below the threshold expected for the associated phenotype(s). Another variant at this same site results in an alteration predicted to cause a similar molecular effect has been observed in individual(s) with the associated phenotype. Given the available evidence, this variant is classified as Pathogenic.

NM_206933.4(USH2A):c.6806-2A>T

Gene: USH2A (usherin; minus strand). Cytogenetic location: 1q41.
Variant type: single nucleotide variant.
Coding change: c.6806-2A>T on transcript NM_206933.4 (MANE Select); the canonical splice acceptor site of the intron before coding-DNA position 6806, A replaced by T.
Molecular consequence: splice acceptor variant.
Genome position (GRCh38, 1-based): chr1:215,970,778, T>A on the plus strand (A>T on the coding strand, the complement: USH2A is on the minus strand). VCF-style: chr1-215970778-T-A. GRCh37 (hg19) VCF-style: chr1-216144120-T-A.
Identifiers: ClinVar variation 4817144 (VCV004817144.1).